The following is an entry in ClinVar:

ClinVar aggregate classification (germline): Uncertain significance (1 of 4 stars; one submission).

gnomAD v4.1: 1 of 1,613,654 alleles (0.000062%); highest among the groups gnomAD compares: African/African-American, 0.0013%; no homozygotes.

Submission:

GeneDx
Classification: Uncertain significance. Last evaluated: 2024-09-30. Review status: criteria provided, single submitter. Criteria: GeneDx Variant Classification Process June 2021. Collection method: clinical testing. Allele origin: germline. Affected: yes.
Comment: Not observed at significant frequency in large population cohorts (gnomAD); In silico analysis supports that this missense variant has a deleterious effect on protein structure/function; Has not been previously published as pathogenic or benign to our knowledge

NM_030948.6(PHACTR1):c.500G>A (p.Gly167Glu)

Gene: PHACTR1 (phosphatase and actin regulator 1; plus strand). Cytogenetic location: 6p24.1.
Variant type: single nucleotide variant.
Coding change: c.500G>A on transcript NM_030948.6 (MANE Select); coding-DNA position 500, G replaced by A.
Protein change: p.Gly167Glu; replaces glycine 167 with glutamic acid.
Molecular consequence: missense variant.
Genome position (GRCh38, 1-based): chr6:13,182,522, G>A. VCF-style: chr6-13182522-G-A. GRCh37 (hg19) VCF-style: chr6-13182754-G-A.
Other names: c.500G>A, p.Gly167Glu (NM_001242648.4, NM_001322308.3, NM_001322309.3 and 3 more transcripts); c.224G>A, p.Gly75Glu (NM_001322311.2, NM_001322312.3, NM_001322313.2 and 1 more transcripts); c.503G>A, p.Gly168Glu (NM_001322314.4); short protein forms G167E, G168E, G75E.
Identifiers: ClinVar variation 3774886 (VCV003774886.1).
Genomic context (GRCh38, chr6:13,182,522, plus strand): 5'-CTCTTTCTTGAAAGGCAGACATTGTCTAACTCTGCAATCTCCTTTTCTCTCTGACAGATG[G>A]GGAACTCTCTATATCCAATGAAGAGGACTCCCTAGAAAATGGGCAGTCCCTGAGCTCCAG-3'
Protein context (NP_112210.1, residues 157-177): GVLKEIYDKD[Gly167Glu]ELSISNEEDS